The following is an entry in ClinVar:

ClinVar aggregate classification (germline): Uncertain significance. Review status: criteria provided, multiple submitters, no conflicts (2 of 4 stars). 3 submissions from 3 submitters: Uncertain significance (3). Last evaluated 2025-12-29.

Conditions:
Intellectual developmental disorder, autosomal recessive 37. Also called: Intellectual disability-hypotonia-spasticity-sleep disorder syndrome. Identifiers: Orphanet 356996, MedGen C3809672, MONDO:0014210, OMIM 615493.

Allele frequency attached by ClinVar (database versions not stated): gnomAD exomes 0.00002; gnomAD 0.00003 and 0.00002; TOPMed 0.00002; ExAC 0.00001.
gnomAD v4.1: 36 of 1,613,532 alleles (0.0022%); highest among the groups gnomAD compares: Middle Eastern, 0.066%; no homozygotes.

Submissions (3):

Heart and Brain Genetics Lab, Heart and Brain Center of Clinical Excellence
Classification: Uncertain significance. Last evaluated: 2025-12-29. Review status: criteria provided, single submitter. Criteria: ACMG Guidelines, 2015. Collection method: clinical testing. Allele origin: germline. Inheritance: Unknown mechanism. Affected: yes. Observed: 1 variant allele.
Comment: The variant represents a missense change in which a guanine to adenine substitution at position 3728 of the coding nucleotide sequence of the gene (NM_020987.5) leads to the integration of a histidine amino acid residue into the polypeptide chain of the encoded protein instead of arginine. Although both amino acids have a basic character, the phylogenetic conservation of the position (PhyloP100 7.884) contributes to consensus predictive software determining a moderate to high probability that the change has a pathogenic character (AlphaMissense 0.624, MetaRNN 0.86) (PP3_Moderate). The variant allele c.3728G>A occurs with extremely low frequency in the gnomAD v.4.1 population databases (ƒ = 0.00002231) and has not been registered in the homozygous state. However, given the observation of 36 heterozygous carriers in gnomAD and the complex genetic architecture of autism spectrum disorders with incomplete penetrance, this frequency does not meet the threshold for PM2 application. The variant has also been reported twice in the ClinVar clinical database as a variant of uncertain significance in the context of autosomal recessive syndrome associated with intellectual disability (OMIM: 615493, RCV002484619.1) and a second time in an unknown clinical constellation (RCV001967295.3). Both reporting laboratories do not provide data on patient zygosity. A similar variant in the same codon, c.3727C>T p.Arg1243Cys, has been reported as a variant of uncertain significance in the same context without additional data (RCV000988365). Structurally, the c.3728G>A variant falls within the second of two tandemly oriented ZU5 domains that form a super-module mediating interaction with beta-spectrin protein, which is key to ANK3 function. Clinical databases contain two likely pathogenic variants within the same super-module, both associated with frameshift mutations. To this author's knowledge, there are no reported pathogenic or likely pathogenic missense variants affecting the central super-module. ANK3 contains both truncating loss-of-function variants and missense variants with function-damaging effects. The mechanism of pathogenicity is biallelic loss of function, presumed to be isoform-specific. ANK3 encodes three major isoforms: the widely expressed 190 kDa isoform and the 270 and 480 kDa isoforms, which are expressed predominantly in the brain. Recessive variants affect primarily the C-terminus of the protein, being present predominantly in the longest 480 kDa isoform, while dominant truncating variants are localized in the N-terminal domain and disrupt all three transcripts (PMIDs: 34218362, 38988293). Based on zygosity, localization, and type, variants in ANK3 are associated with varying degrees of intellectual disability severity, with autism spectrum deviations associated predominantly with heterozygous missense variants, while more severe neurodevelopmental delay phenotypes are inherent to isoform-dependent autosomal dominant or recessive loss of function (PMID: 34218362). Based on these data, criterion PP2 can be applied: missense variant in a gene in which for neurodevelopmental disorders associated with autism, specifically missense variants in the heterozygous state are to a large extent disease-causing, while individuals with biallelic and truncating variants manifest a more severe phenotype than those with monoallelic variants (PMID: 38988293). In summary, the variant is classified as of uncertain significance based on application of PP3_Moderate and PP2 criteria, which is surmises to VUS according to ACMG/AMP guidelines.

Labcorp Genetics (formerly Invitae), Labcorp
Classification: Uncertain significance. Last evaluated: 2022-02-09. Review status: criteria provided, single submitter. Criteria: Invitae Variant Classification Sherloc (09022015). Collection method: clinical testing. Allele origin: germline.
Comment: This sequence change replaces arginine with histidine at codon 1243 of the ANK3 protein (p.Arg1243His). The arginine residue is highly conserved and there is a small physicochemical difference between arginine and histidine. This variant is present in population databases (rs767721464, gnomAD 0.01%). This variant has not been reported in the literature in individuals affected with ANK3-related conditions. Algorithms developed to predict the effect of missense changes on protein structure and function are either unavailable or do not agree on the potential impact of this missense change (SIFT: "Not Available"; PolyPhen-2: "Probably Damaging"; Align-GVGD: "Not Available"). In summary, the available evidence is currently insufficient to determine the role of this variant in disease. Therefore, it has been classified as a Variant of Uncertain Significance.

Fulgent Genetics
Classification: Uncertain significance for Intellectual developmental disorder, autosomal recessive 37. Last evaluated: 2021-10-08. Review status: criteria provided, single submitter. Criteria: ACMG Guidelines, 2015. Collection method: clinical testing. Allele origin: unknown.

Literature cited by the submitters: PubMed 34218362 (cited by Heart and Brain Genetics Lab, Heart and Brain Center of Clinical Excellence); PubMed 38988293 (cited by Heart and Brain Genetics Lab, Heart and Brain Center of Clinical Excellence).

NM_020987.5(ANK3):c.3728G>A (p.Arg1243His)

Gene: ANK3 (ankyrin 3; minus strand). Cytogenetic location: 10q21.2.
Variant type: single nucleotide variant.
Coding change: c.3728G>A on transcript NM_020987.5 (MANE Select); coding-DNA position 3728, G replaced by A.
Protein change: p.Arg1243His; replaces arginine 1243 with histidine.
Molecular consequence: missense variant.
Genome position (GRCh38, 1-based): chr10:60,086,697, C>T on the plus strand (G>A on the coding strand, the complement: ANK3 is on the minus strand). VCF-style: chr10-60086697-C-T. GRCh37 (hg19) VCF-style: chr10-61846455-C-T.
Other names: c.1130G>A, p.Arg377His (NM_001149.4); c.3710G>A, p.Arg1237His (NM_001204403.2); c.3731G>A, p.Arg1244His (NM_001204404.2); c.3728G>A, p.Arg1243His (NM_001320874.2); short protein forms R1237H, R1244H, R1243H, R377H.
Identifiers: ClinVar variation 1429615 (VCV001429615.4), dbSNP rs767721464, ClinGen allele CA5512415.